The following is an entry in ClinVar:

ClinVar aggregate classification (germline): Uncertain significance (1 of 4 stars; one submission).

Allele frequency attached by ClinVar (database versions not stated): gnomAD exomes below 0.00001; ESP Exome Variant Server 0.00008.
gnomAD v4.1: 3 of 1,614,206 alleles (0.00019%); highest among the groups gnomAD compares: Non-Finnish European, 0.00025%; no homozygotes.

Submission:

Labcorp Genetics (formerly Invitae), Labcorp
Classification: Uncertain significance. Last evaluated: 2025-08-20. Review status: criteria provided, single submitter. Criteria: Invitae Variant Classification Sherloc (09022015). Collection method: clinical testing. Allele origin: germline.
Comment: This sequence change replaces glutamic acid, which is acidic and polar, with lysine, which is basic and polar, at codon 208 of the EMC1 protein (p.Glu208Lys). This variant is not present in population databases (gnomAD no frequency). This variant has not been reported in the literature in individuals affected with EMC1-related conditions. ClinVar contains an entry for this variant (Variation ID: 1467045). Invitae Evidence Modeling of protein sequence and biophysical properties (such as structural, functional, and spatial information, amino acid conservation, physicochemical variation, residue mobility, and thermodynamic stability) indicates that this missense variant is not expected to disrupt EMC1 protein function with a negative predictive value of 80%. In summary, the available evidence is currently insufficient to determine the role of this variant in disease. Therefore, it has been classified as a Variant of Uncertain Significance.

NM_015047.3(EMC1):c.622G>A (p.Glu208Lys)

Gene: EMC1 (ER membrane protein complex subunit 1; minus strand). Cytogenetic location: 1p36.13.
Variant type: single nucleotide variant.
Coding change: c.622G>A on transcript NM_015047.3 (MANE Select); coding-DNA position 622, G replaced by A.
Protein change: p.Glu208Lys; replaces glutamic acid 208 with lysine.
Molecular consequence: missense variant.
Genome position (GRCh38, 1-based): chr1:19,241,030, C>T on the plus strand (G>A on the coding strand, the complement: EMC1 is on the minus strand). VCF-style: chr1-19241030-C-T. GRCh37 (hg19) VCF-style: chr1-19567524-C-T.
Other names: c.622G>A, p.Glu208Lys (NM_001271427.2, NM_001271428.2, NM_001375820.1 and 1 more transcripts); c.556G>A, p.Glu186Lys (NM_001271429.2); short protein forms E186K, E208K.
Identifiers: ClinVar variation 1467045 (VCV001467045.8), dbSNP rs375695001, ClinGen allele CA18822709.
Genomic context (GRCh38, chr1:19,241,030, plus strand): 5'-TCCCCCAACCCCACCTTATTCACAGGCTCCTGTCACCCTCCTGTACCTGCTGAACAATCT[C>T]TCCATCTTCCACATTAAACTTGACAATGTTCACATGGCTGAAGGGAACAACTCCGAGGGC-3'
Protein context (NP_055862.1, residues 198-218): NIVKFNVEDG[Glu208Lys]IVQQVRVSTP